The following is an entry in ClinVar:

ClinVar aggregate classification (germline): Uncertain significance (1 of 4 stars; one submission).

Conditions:
Ataxia-telangiectasia syndrome (AT). Also called: Cerebello-oculocutaneous telangiectasia; Immunodeficiency with ataxia telangiectasia; LOUIS-BAR SYNDROME; AT, COMPLEMENTATION GROUP C; ATAXIA-TELANGIECTASIA, COMPLEMENTATION GROUP A; ATAXIA-TELANGIECTASIA, FRESNO VARIANT. Identifiers: Orphanet 100, MedGen C0004135, MONDO:0008840, OMIM 208900.

Submission:

Labcorp Genetics (formerly Invitae), Labcorp
Classification: Uncertain significance for Ataxia-telangiectasia syndrome. Last evaluated: 2023-03-15. Review status: criteria provided, single submitter. Criteria: Invitae Variant Classification Sherloc (09022015). Collection method: clinical testing. Allele origin: germline.
Comment: ClinVar contains an entry for this variant (Variation ID: 940456). An algorithm developed to predict the effect of missense changes on protein structure and function (PolyPhen-2) suggests that this variant is likely to be tolerated. In summary, the available evidence is currently insufficient to determine the role of this variant in disease. Therefore, it has been classified as a Variant of Uncertain Significance. This variant has not been reported in the literature in individuals affected with ATM-related conditions. This sequence change replaces lysine, which is basic and polar, with asparagine, which is neutral and polar, at codon 422 of the ATM protein (p.Lys422Asn). This variant is not present in population databases (gnomAD no frequency).

NM_000051.4(ATM):c.1266G>C (p.Lys422Asn)

Gene: ATM (ATM serine/threonine kinase; plus strand). Cytogenetic location: 11q22.3.
Variant type: single nucleotide variant.
Coding change: c.1266G>C on transcript NM_000051.4 (MANE Select); coding-DNA position 1266, G replaced by C.
Protein change: p.Lys422Asn; replaces lysine 422 with asparagine.
Molecular consequence: missense variant.
Genome position (GRCh38, 1-based): chr11:108,250,731, G>C. VCF-style: chr11-108250731-G-C. GRCh37 (hg19) VCF-style: chr11-108121458-G-C.
Other names: c.1266G>C, p.Lys422Asn (NM_001351834.2); short protein forms K422N.
Identifiers: ClinVar variation 940456 (VCV000940456.9), dbSNP rs1057520445, ClinGen allele CA382533372.